The following is an entry in ClinVar:

ClinVar aggregate classification (germline): Uncertain significance (1 of 4 stars; one submission).

Conditions:
Autosomal recessive limb-girdle muscular dystrophy type 2P. Also called: MUSCULAR DYSTROPHY-DYSTROGLYCANOPATHY, LIMB-GIRDLE, DAG1-RELATED; Limb-Girdle Muscular Dystrophy Type 9C; MUSCULAR DYSTROPHY, LIMB-GIRDLE, TYPE 2P. Identifiers: Orphanet 280333, MedGen C4511963, MONDO:0013440, OMIM 613818.
Muscular dystrophy-dystroglycanopathy (congenital with brain and eye anomalies), type A9. Also called: WALKER-WARBURG SYNDROME OR MUSCLE-EYE BRAIN DISEASE, DAG1-RELATED; Muscular dystrophy-dystroglycanopathy (congenital with brain and eye anomalies), type a, 9. Identifiers: Orphanet 370997, Orphanet 899, MedGen C4225291, MONDO:0014683, OMIM 616538.

Allele frequency attached by ClinVar (database versions not stated): gnomAD exomes below 0.00001; gnomAD 0.00001; TOPMed 0.00001.
gnomAD v4.1: 3 of 1,613,820 alleles (0.00019%); highest among the groups gnomAD compares: Admixed American, 0.005%; no homozygotes.

Submission:

Labcorp Genetics (formerly Invitae), Labcorp
Classification: Uncertain significance for Autosomal recessive limb-girdle muscular dystrophy type 2P; Muscular dystrophy-dystroglycanopathy (congenital with brain and eye anomalies), type A9. Last evaluated: 2023-10-13. Review status: criteria provided, single submitter. Criteria: Invitae Variant Classification Sherloc (09022015). Collection method: clinical testing. Allele origin: germline.
Comment: This sequence change replaces lysine, which is basic and polar, with arginine, which is basic and polar, at codon 582 of the DAG1 protein (p.Lys582Arg). This variant is present in population databases (no rsID available, gnomAD 0.003%). This variant has not been reported in the literature in individuals affected with DAG1-related conditions. ClinVar contains an entry for this variant (Variation ID: 2418567). Advanced modeling of protein sequence and biophysical properties (such as structural, functional, and spatial information, amino acid conservation, physicochemical variation, residue mobility, and thermodynamic stability) performed at Invitae indicates that this missense variant is not expected to disrupt DAG1 protein function. In summary, the available evidence is currently insufficient to determine the role of this variant in disease. Therefore, it has been classified as a Variant of Uncertain Significance.

NM_004393.6(DAG1):c.1745A>G (p.Lys582Arg)

Gene: DAG1 (dystroglycan 1; plus strand). Cytogenetic location: 3p21.31.
Variant type: single nucleotide variant.
Coding change: c.1745A>G on transcript NM_004393.6 (MANE Select); coding-DNA position 1745, A replaced by G.
Protein change: p.Lys582Arg; replaces lysine 582 with arginine.
Molecular consequence: missense variant.
Genome position (GRCh38, 1-based): chr3:49,532,256, A>G. VCF-style: chr3-49532256-A-G. GRCh37 (hg19) VCF-style: chr3-49569689-A-G.
Other names: c.1745A>G, p.Lys582Arg (NM_001165928.4, NM_001177634.3, NM_001177635.3 and 9 more transcripts); short protein forms K582R.
Identifiers: ClinVar variation 2418567 (VCV002418567.7), dbSNP rs1436459316, ClinGen allele CA352796061.
Genomic context (GRCh38, chr3:49,532,256, plus strand): 5'-ATGGCCTTCCCGACAGCAGCCACGTGGGCAAACACGAGTATTTCATGCATGCCACAGACA[A>G]GGGGGGCCTGTCGGCTGTGGATGCCTTCGAGATCCACGTCCACAGGCGCCCCCAAGGGGA-3'
Protein context (NP_004384.5, residues 572-592): KHEYFMHATD[Lys582Arg]GGLSAVDAFE